The following is an entry in ClinVar:

ClinVar aggregate classification (germline): Likely benign. Review status: criteria provided, single submitter (1 of 4 stars). 2 submissions from 2 submitters: Likely benign (1). 1 of the submissions does not count toward it. Last evaluated 2025-07-22.

Conditions:
TRAF3IP2-related disorder. Also called: TRAF3IP2-related condition.
Candidiasis, familial, 8 (CANDF8). Identifiers: Orphanet 1334, MedGen C3714992, MONDO:0014230, OMIM 615527.

Allele frequency attached by ClinVar (database versions not stated): gnomAD 0.00001; gnomAD exomes 0.00002 and 0.00007; TOPMed 0.00003; ExAC 0.00008.
gnomAD v4.1: 29 of 1,613,878 alleles (0.0018%); highest among the groups gnomAD compares: Admixed American, 0.035%; no homozygotes.

Submissions (2):

Labcorp Genetics (formerly Invitae), Labcorp
Classification: Likely benign for Candidiasis, familial, 8. Last evaluated: 2025-07-22. Review status: criteria provided, single submitter. Criteria: Invitae Variant Classification Sherloc (09022015). Collection method: clinical testing. Allele origin: germline.

PreventionGenetics, part of Exact Sciences
Classification: Likely benign for TRAF3IP2-related condition. Last evaluated: 2020-10-06. Review status: no assertion criteria provided. Collection method: clinical testing. Allele origin: germline. Not counted in ClinVar's aggregate classification.
Comment: This variant is classified as likely benign based on ACMG/AMP sequence variant interpretation guidelines (Richards et al. 2015 PMID: 25741868, with internal and published modifications).

NM_147686.4(TRAF3IP2):c.1221T>C (p.Tyr407=)

Genes: TRAF3IP2 (TRAF3 interacting protein 2; minus strand), TRAF3IP2-AS1 (TRAF3IP2 antisense RNA 1; plus strand). Cytogenetic location: 6q21.
Variant type: single nucleotide variant.
Coding change: c.1221T>C on transcript NM_147686.4 (MANE Select); coding-DNA position 1221, T replaced by C.
Protein change: p.Tyr407=; no amino-acid change (tyrosine 407 retained).
Molecular consequence: synonymous variant.
Genome position (GRCh38, 1-based): chr6:111,572,964, A>G on the plus strand (T>C on the coding strand, the complement: TRAF3IP2 is on the minus strand). VCF-style: chr6-111572964-A-G. GRCh37 (hg19) VCF-style: chr6-111894167-A-G.
Other names: c.1221T>C, p.Tyr407= (NM_001164281.3); c.1248T>C, p.Tyr416= (NM_147200.3).
Identifiers: ClinVar variation 761641 (VCV000761641.7), dbSNP rs765112469, ClinGen allele CA3963147.